The following is an entry in ClinVar:

ClinVar aggregate classification (germline): Uncertain significance (1 of 4 stars; one submission).

Conditions:
Intellectual developmental disorder, X-linked, syndromic, Shashi type. Also called: Syndromic X-linked intellectual disability Shashi type; SHASHI X-LINKED MENTAL RETARDATION SYNDROME; INTELLECTUAL DEVELOPMENTAL DISORDER, X-LINKED, SYNDROMIC 11. Identifiers: Orphanet 85286, MedGen C1846145, MONDO:0010277, OMIM 300238.

Allele frequency attached by ClinVar (database versions not stated): gnomAD exomes below 0.00001; TOPMed 0.00002.
gnomAD v4.1: 6 of 1,211,691 alleles (0.0005%); highest among the groups gnomAD compares: African/African-American, 0.0035%; no homozygotes.

Submission:

Baylor Genetics
Classification: Uncertain significance for Intellectual developmental disorder, X-linked, syndromic, Shashi type. Last evaluated: 2020-02-18. Review status: criteria provided, single submitter. Criteria: ACMG Guidelines, 2015. Collection method: clinical testing. Allele origin: unknown. Affected: yes.
Comment: This variant was determined to be of uncertain significance according to ACMG Guidelines, 2015 [PMID:25741868].

NM_002139.4(RBMX):c.591A>G (p.Glu197=)

Gene: RBMX (RNA binding motif protein X-linked; minus strand). Cytogenetic location: Xq26.3.
Variant type: single nucleotide variant.
Coding change: c.591A>G on transcript NM_002139.4 (MANE Select); coding-DNA position 591, A replaced by G.
Protein change: p.Glu197=; no amino-acid change (glutamic acid 197 retained).
Molecular consequence: synonymous variant. On other transcripts: missense variant (1), non-coding transcript variant (2).
Genome position (GRCh38, 1-based): chrX:136,875,536, T>C on the plus strand (A>G on the coding strand, the complement: RBMX is on the minus strand). VCF-style: chrX-136875536-T-C. GRCh37 (hg19) VCF-style: chrX-135957695-T-C.
Other names: c.266A>G, p.Asn89Ser (NM_001164803.2); short protein forms N89S.
Identifiers: ClinVar variation 1027782 (VCV001027782.1), dbSNP rs1261521581, ClinGen allele CA414764181.